The following is an entry in ClinVar:

ClinVar aggregate classification (germline): Pathogenic (1 of 4 stars; one submission).

Conditions:
Joubert syndrome. Also called: Familial aplasia of the vermis; CEREBELLOPARENCHYMAL DISORDER IV; JOUBERT-BOLTSHAUSER SYNDROME. Identifiers: Orphanet 475, MedGen C5979921, MONDO:0018772.
Meckel-Gruber syndrome. Also called: Dysencephalia splachnocystica; DYSENCEPHALIA SPLANCHNOCYSTICA; GRUBER SYNDROME. Identifiers: Orphanet 564, MedGen C0265215, MONDO:0018921.
Nephronophthisis. Also called: Juvenile Nephronophthisis. Identifiers: Orphanet 655, MedGen C0687120, MONDO:0019005, HP:0000090.

Submission:

Labcorp Genetics (formerly Invitae), Labcorp
Classification: Pathogenic for Joubert syndrome; Meckel-Gruber syndrome; Nephronophthisis. Last evaluated: 2022-04-14. Review status: criteria provided, single submitter. Criteria: Invitae Variant Classification Sherloc (09022015). Collection method: clinical testing. Allele origin: germline.
Comment: This sequence change creates a premature translational stop signal (p.Ser57Valfs*28) in the CEP290 gene. It is expected to result in an absent or disrupted protein product. Loss-of-function variants in CEP290 are known to be pathogenic (PMID: 16909394, 17345604, 20690115). This variant is not present in population databases (gnomAD no frequency). This variant has not been reported in the literature in individuals affected with CEP290-related conditions. ClinVar contains an entry for this variant (Variation ID: 1075565). For these reasons, this variant has been classified as Pathogenic.

Literature cited by the submitters: PubMed 16909394; PubMed 17345604; PubMed 20690115.

NM_025114.4(CEP290):c.167dup (p.Ser57fs)

Gene: CEP290 (centrosomal protein 290; minus strand). Cytogenetic location: 12q21.32.
Variant type: Duplication.
Coding change: c.167dup on transcript NM_025114.4 (MANE Select); coding-DNA position 167, one base duplicated (A; older notation c.167dupA).
Protein change: p.Ser57fs; shifts the reading frame from serine 57.
Molecular consequence: frameshift variant.
Genome position (GRCh38, 1-based): chr12:88,140,969, T duplicated on the plus strand (A on the coding strand, the reverse complement: CEP290 is on the minus strand). VCF-style (leftmost placement, unchanged base first): chr12-88140968-C-CT. GRCh37 (hg19) VCF-style: chr12-88534745-C-CT.
Other names: short protein forms S57fs.
Identifiers: ClinVar variation 1075565 (VCV001075565.7), dbSNP rs2138297703, ClinGen allele CA2499221914.